The following is an entry in ClinVar:

NM_016139.4(CHCHD2):c.359A>G (p.Gln120Arg)

Gene: CHCHD2 (coiled-coil-helix-coiled-coil-helix domain containing 2; minus strand). Cytogenetic location: 7p11.2.
Variant type: single nucleotide variant.
Coding change: c.359A>G on transcript NM_016139.4 (MANE Select); coding-DNA position 359, A replaced by G.
Protein change: p.Gln120Arg; replaces glutamine 120 with arginine.
Molecular consequence: missense variant.
Genome position (GRCh38, 1-based): chr7:56,102,953, T>C on the plus strand (A>G on the coding strand, the complement: CHCHD2 is on the minus strand). VCF-style: chr7-56102953-T-C. GRCh37 (hg19) VCF-style: chr7-56170646-T-C.
Other names: c.359A>G, p.Gln120Arg (NM_001320327.2); short protein forms Q120R.
Identifiers: ClinVar variation 1494344 (VCV001494344.6), dbSNP rs1364264066, ClinGen allele CA367612440.

ClinVar aggregate classification (germline): Uncertain significance (1 of 4 stars; one submission).

Allele frequency attached by ClinVar (database versions not stated): gnomAD exomes below 0.00001 and 0.00001; TOPMed below 0.00001.
gnomAD v4.1: 5 of 1,614,094 alleles (0.00031%); highest among the groups gnomAD compares: Non-Finnish European, 0.00042%; no homozygotes.

Submission:

Labcorp Genetics (formerly Invitae), Labcorp
Classification: Uncertain significance. Last evaluated: 2022-06-27. Review status: criteria provided, single submitter. Criteria: Invitae Variant Classification Sherloc (09022015). Collection method: clinical testing. Allele origin: germline.
Comment: In summary, the available evidence is currently insufficient to determine the role of this variant in disease. Therefore, it has been classified as a Variant of Uncertain Significance. Algorithms developed to predict the effect of missense changes on protein structure and function are either unavailable or do not agree on the potential impact of this missense change (SIFT: "Deleterious"; PolyPhen-2: "Probably Damaging"; Align-GVGD: "Class C0"). This variant has not been reported in the literature in individuals affected with CHCHD2-related conditions. This variant is present in population databases (no rsID available, gnomAD 0.0009%). This sequence change replaces glutamine, which is neutral and polar, with arginine, which is basic and polar, at codon 120 of the CHCHD2 protein (p.Gln120Arg).